The following is an entry in ClinVar:

ClinVar aggregate classification (germline): Uncertain significance (1 of 4 stars; one submission).

Conditions:
Inborn genetic diseases. Identifiers: MedGen C0950123, MeSH D030342.

Allele frequency attached by ClinVar (database versions not stated): gnomAD exomes below 0.00001; gnomAD 0.00001.
gnomAD v4.1: 5 of 1,541,042 alleles (0.00032%); highest among the groups gnomAD compares: Non-Finnish European, 0.00044%; no homozygotes.

Submission:

Ambry Genetics
Classification: Uncertain significance for Inborn genetic diseases. Last evaluated: 2022-05-25. Review status: criteria provided, single submitter. Criteria: Ambry Variant Classification Scheme 2023. Collection method: clinical testing. Allele origin: germline.
Comment: The p.Q316H variant (also known as c.948G>T), located in coding exon 10 of the ERCC2 gene, results from a G to T substitution at nucleotide position 948. The glutamine at codon 316 is replaced by histidine, an amino acid with highly similar properties. This amino acid position is conserved. In addition, this alteration is predicted to be tolerated by in silico analysis. Since supporting evidence is limited at this time, the clinical significance of this alteration remains unclear.

NM_000400.4(ERCC2):c.948G>T (p.Gln316His)

Gene: ERCC2 (ERCC excision repair 2, TFIIH core complex helicase subunit; minus strand). Cytogenetic location: 19q13.32.
Variant type: single nucleotide variant.
Coding change: c.948G>T on transcript NM_000400.4 (MANE Select); coding-DNA position 948, G replaced by T.
Protein change: p.Gln316His; replaces glutamine 316 with histidine.
Molecular consequence: missense variant.
Genome position (GRCh38, 1-based): chr19:45,363,987, C>A on the plus strand (G>T on the coding strand, the complement: ERCC2 is on the minus strand). VCF-style: chr19-45363987-C-A. GRCh37 (hg19) VCF-style: chr19-45867245-C-A.
Other names: c.876G>T, p.Gln292His (NM_001130867.2); short protein forms Q316H, Q292H.
Identifiers: ClinVar variation 1767126 (VCV001767126.2), dbSNP rs753430730, ClinGen allele CA406373247.